The following is an entry in ClinVar:

NM_007294.4(BRCA1):c.2733A>G (p.Gly911=)

Gene: BRCA1 (BRCA1 DNA repair associated; minus strand). Cytogenetic location: 17q21.31.
Variant type: single nucleotide variant.
Coding change: c.2733A>G on transcript NM_007294.4 (MANE Select); coding-DNA position 2733, A replaced by G.
Protein change: p.Gly911=; no amino-acid change (glycine 911 retained).
Molecular consequence: synonymous variant. On other transcripts: intron variant (137).
Genome position (GRCh38, 1-based): chr17:43,092,798, T>C on the plus strand (A>G on the coding strand, the complement: BRCA1 is on the minus strand). VCF-style: chr17-43092798-T-C. GRCh37 (hg19) VCF-style: chr17-41244815-T-C.
Other names: G911G; NP_009225.1:p.Gly911=; p.Gly911=; 2852A>G; c.2733A>G, p.Gly911= (NM_001407626.1, NM_001407639.1, NM_001407640.1 and 30 more transcripts); c.2730A>G, p.Gly910= (NM_001407627.1, NM_001407628.1, NM_001407629.1 and 22 more transcripts); c.2724A>G, p.Gly908= (NM_001407646.1, NM_001407647.1); c.2610A>G, p.Gly870= (NM_001407648.1, NM_001407664.1, NM_001407665.1 and 19 more transcripts); and 45 more.
Identifiers: ClinVar variation 54664 (VCV000054664.96), dbSNP rs1800740, ClinGen allele CA001802.
Genomic context (GRCh38, chr17:43,092,798, plus strand): 5'-CACAGGAAAGCCTGCAGTGATATTAACTGTCTGTACAGGCTTGATATTAGACTCATTCTT[T>C]CCTTGATTTTCTTCCTTTTGTTCACATTCAAAAGTGACTTTTGGACTTTGTTTCTTTAAG-3'
Protein context (NP_009225.1, residues 901-921): FECEQKEENQ[Gly911=]KNESNIKPVQ

ClinVar aggregate classification (germline): Likely benign. Review status: reviewed by expert panel (3 of 4 stars). 28 submissions from 28 submitters: Likely benign (1). 27 of the submissions do not count toward it. Last evaluated 2017-06-29.

Conditions:
Hereditary cancer-predisposing syndrome. Also called: Neoplastic Syndromes, Hereditary; Tumor predisposition; Hereditary Cancer Syndrome; Hereditary neoplastic syndrome. Identifiers: Orphanet 140162, MedGen C0027672, MeSH D009386, MONDO:0015356.
Breast and/or ovarian cancer. Identifiers: MedGen CN221562.
Hereditary breast ovarian cancer syndrome. Also called: Hereditary breast and/or ovarian cancer syndrome; Hereditary breast and ovarian cancer syndrome; Hereditary breast and ovarian cancer; Hereditary breast and ovarian cancer syndrome (HBOC); Breast and ovarian cancer; BRCA1- and BRCA2-Associated Hereditary Breast and Ovarian Cancer. Identifiers: Orphanet 145, MedGen C0677776, MeSH D061325, MONDO:0003582. Disease mechanism: loss of function.
Breast-ovarian cancer, familial, susceptibility to, 1 (BROVCA1). Also called: OVARIAN CANCER, SUSCEPTIBILITY TO; BRCA1 Hereditary Breast and Ovarian Cancer. Identifiers: Orphanet 145, MedGen C2676676, MONDO:0011450, OMIM 604370. Disease mechanism: loss of function.

Allele frequency attached by ClinVar (database versions not stated): ESP Exome Variant Server 0.00046; gnomAD exomes 0.00055 and 0.00102; 1000 Genomes Project 0.00060; 1000 Genomes Project 30x 0.00062; gnomAD 0.00066; ExAC 0.00085; TOPMed 0.00096.
gnomAD v4.1: 972 of 1,613,990 alleles (0.06%); highest among the groups gnomAD compares: Middle Eastern, 0.23%; 3 homozygotes.

Submissions 1 to 23 of 28:

Evidence-based Network for the Interpretation of Germline Mutant Alleles (ENIGMA)
Classification: Likely benign for Breast-ovarian cancer, familial, susceptibility to, 1. Last evaluated: 2017-06-29. Review status: reviewed by expert panel. Criteria: ENIGMA BRCA1/2 Classification Criteria (2017-06-29). Collection method: curation. Allele origin: germline.
Comment: Synonymous substitution variant, with low bioinformatic likelihood to result in a splicing aberration (Splicing prior probability 0.02).

CeGaT Center for Human Genetics Tuebingen
Classification: Likely benign. Last evaluated: 2026-09-01. Review status: criteria provided, single submitter. Criteria: CeGaT Center For Human Genetics Tuebingen Variant Classification Criteria Version 2. Collection method: clinical testing. Allele origin: germline. Affected: yes. Observed: 39 variant alleles. Not counted in ClinVar's aggregate classification.
Comment: BRCA1: BP4, BP7

Labcorp Genetics (formerly Invitae), Labcorp
Classification: Benign for Hereditary breast ovarian cancer syndrome. Last evaluated: 2026-02-03. Review status: criteria provided, single submitter. Criteria: Invitae Variant Classification Sherloc (09022015). Collection method: clinical testing. Allele origin: germline. Not counted in ClinVar's aggregate classification.

ARUP Laboratories, Molecular Genetics and Genomics, ARUP Laboratories
Classification: Benign. Last evaluated: 2025-06-30. Review status: criteria provided, single submitter. Criteria: ARUP Molecular Germline Variant Investigation Process 2024. Collection method: clinical testing. Allele origin: germline. Not counted in ClinVar's aggregate classification.

Center for Genomic Medicine, Rigshospitalet, Copenhagen University Hospital
Classification: Benign. Last evaluated: 2025-03-04. Review status: criteria provided, single submitter. Criteria: ACMG Guidelines, 2015. Collection method: clinical testing. Allele origin: germline. Not counted in ClinVar's aggregate classification.

Blueprint Genetics
Classification: Likely benign. Last evaluated: 2024-11-25. Review status: criteria provided, single submitter. Criteria: ACMG Guidelines, 2015. Collection method: clinical testing. Allele origin: germline. Not counted in ClinVar's aggregate classification.

Mayo Clinic Laboratories, Mayo Clinic
Classification: Benign. Last evaluated: 2024-05-01. Review status: criteria provided, single submitter. Criteria: ACMG Guidelines, 2015. Collection method: clinical testing. Allele origin: germline. Observed: 4 variant alleles. Not counted in ClinVar's aggregate classification.
Comment: BA1, BP1_strong, BP7

KCCC/NGS Laboratory, Kuwait Cancer Control Center
Classification: Likely benign for Breast-ovarian cancer, familial, susceptibility to, 1. Last evaluated: 2023-07-07. Review status: criteria provided, single submitter. Criteria: ACMG Guidelines, 2015. Collection method: clinical testing. Allele origin: germline. Affected: yes. Not counted in ClinVar's aggregate classification.

National Health Laboratory Service, Universitas Academic Hospital and University of the Free State
Classification: Benign for Hereditary breast ovarian cancer syndrome. Last evaluated: 2021-11-16. Review status: criteria provided, single submitter. Criteria: ACMG Guidelines, 2015. Collection method: clinical testing. Allele origin: germline. Affected: yes. Observed: 1 variant allele. Not counted in ClinVar's aggregate classification.

Illumina Laboratory Services, Illumina
Classification: Likely benign for Breast-ovarian cancer, familial, susceptibility to, 1. Last evaluated: 2019-08-14. Review status: criteria provided, single submitter. Criteria: ICSL Variant Classification Criteria 13 December 2019. Collection method: clinical testing. Allele origin: germline. Not counted in ClinVar's aggregate classification.
Comment: This variant was observed as part of a predisposition screen in an ostensibly healthy population. A literature search was performed for the gene, cDNA change, and amino acid change (where applicable). Publications were found based on this search. The evidence from the literature, in combination with allele frequency data from public databases where available, was sufficient to determine this variant is unlikely to cause disease. Therefore, this variant is classified as likely benign.

Mendelics
Classification: Likely benign for Breast-ovarian cancer, familial, susceptibility to, 1. Last evaluated: 2019-05-28. Review status: criteria provided, single submitter. Criteria: Mendelics Assertion Criteria 2017. Collection method: clinical testing. Allele origin: unknown. Not counted in ClinVar's aggregate classification.

Genetic Services Laboratory, University of Chicago
Classification: Benign. Last evaluated: 2018-06-22. Review status: criteria provided, single submitter. Criteria: ACMG Guidelines, 2015. Collection method: clinical testing. Allele origin: germline. Affected: no. Not counted in ClinVar's aggregate classification.

Clinical Genetics DNA and cytogenetics Diagnostics Lab, Erasmus MC, Erasmus Medical Center
Classification: Benign for Breast-ovarian cancer, familial, susceptibility to, 1. Last evaluated: 2017-06-28. Review status: criteria provided, single submitter. Criteria: ACGS Guidelines, 2013. Collection method: clinical testing. Allele origin: germline. Affected: yes. Study: VKGL Data-share Consensus. Not counted in ClinVar's aggregate classification.

Cancer Genetics and Genomics Laboratory, British Columbia Cancer Agency
Classification: Benign. Last evaluated: 2017-04-18. Review status: criteria provided, single submitter. Criteria: ACMG Guidelines, 2015. Collection method: clinical testing. Allele origin: germline. Study: The Canadian Open Genetics Repository (COGR). Not counted in ClinVar's aggregate classification.

PreventionGenetics, part of Exact Sciences
Classification: Benign. Last evaluated: 2017-01-30. Review status: criteria provided, single submitter. Criteria: ACMG Guidelines, 2015. Collection method: clinical testing. Allele origin: germline. Not counted in ClinVar's aggregate classification.

CHEO Genetics Diagnostic Laboratory, Children's Hospital of Eastern Ontario
Classification: Benign for Breast and/or ovarian cancer. Last evaluated: 2017-01-18. Review status: criteria provided, single submitter. Criteria: ACMG Guidelines, 2015. Collection method: clinical testing. Allele origin: germline. Study: Canadian Open Genetics Repository. Not counted in ClinVar's aggregate classification.

Eurofins Ntd Llc (ga)
Classification: Likely benign. Last evaluated: 2015-08-12. Review status: criteria provided, single submitter. Criteria: EGL Classification Definitions 2015. Collection method: clinical testing. Allele origin: germline. Observed: 1 variant allele, 1 heterozygote. Not counted in ClinVar's aggregate classification.

Color Diagnostics, LLC DBA Color Health
Classification: Likely benign for Hereditary cancer-predisposing syndrome. Last evaluated: 2015-04-27. Review status: criteria provided, single submitter. Criteria: ACMG Guidelines, 2015. Collection method: clinical testing. Allele origin: germline. Not counted in ClinVar's aggregate classification.

Ambry Genetics
Classification: Likely benign for Hereditary cancer-predisposing syndrome. Last evaluated: 2014-06-25. Review status: criteria provided, single submitter. Criteria: Ambry Variant Classification Scheme 2023. Collection method: clinical testing. Allele origin: germline. Not counted in ClinVar's aggregate classification.

Breakthrough Genomics
Classification: Likely benign. Review status: criteria provided, single submitter. Criteria: ACMG Guidelines, 2015. Collection method: not provided. Allele origin: germline. Inheritance: Autosomal dominant inheritance. Affected: yes. Not counted in ClinVar's aggregate classification.

Institute for Biomarker Research, Medical Diagnostic Laboratories, L.L.C.
Classification: Benign for Hereditary breast ovarian cancer syndrome. Last evaluated: 2021-12-17. Review status: no assertion criteria provided. Collection method: clinical testing. Allele origin: germline. Not counted in ClinVar's aggregate classification.

True Health Diagnostics
Classification: Likely benign for Hereditary cancer-predisposing syndrome. Last evaluated: 2018-09-28. Review status: no assertion criteria provided. Collection method: clinical testing. Allele origin: germline. Not counted in ClinVar's aggregate classification.

Counsyl
Classification: Likely benign for Breast-ovarian cancer, familial 1. Last evaluated: 2014-01-25. Review status: no assertion criteria provided. Collection method: literature only. Allele origin: unknown. Inheritance: Autosomal dominant inheritance. Not counted in ClinVar's aggregate classification.